The following is an entry in ClinVar:

ClinVar aggregate classification (germline): Uncertain significance (1 of 4 stars; one submission).

gnomAD v4.1: 4 of 1,614,104 alleles (0.00025%); highest among the groups gnomAD compares: African/African-American, 0.0013%; no homozygotes.

Submission:

Dasa
Classification: Uncertain significance. Last evaluated: 2025-01-14. Review status: criteria provided, single submitter. Criteria: DASA Assertion Criteria. Collection method: clinical testing. Allele origin: germline.
Comment: NM_004863.4(SPTLC2):c.221C>T (p.Thr74Met) is a missense variant that results in the substitution of threonine with methionine. This variant is rare in population databases. Computational prediction algorithms are consistent with a deleterious effect. The currently available literature and clinical evidence are not sufficient to establish a definitive association between this variant and the reported condition. Therefore, this variant is classified as a variant of uncertain significance.

NM_004863.4(SPTLC2):c.221C>T (p.Thr74Met)

Gene: SPTLC2 (serine palmitoyltransferase long chain base subunit 2; minus strand). Cytogenetic location: 14q24.3.
Variant type: single nucleotide variant.
Coding change: c.221C>T on transcript NM_004863.4 (MANE Select); coding-DNA position 221, C replaced by T.
Protein change: p.Thr74Met; replaces threonine 74 with methionine.
Molecular consequence: missense variant.
Genome position (GRCh38, 1-based): chr14:77,597,292, G>A on the plus strand (C>T on the coding strand, the complement: SPTLC2 is on the minus strand). VCF-style: chr14-77597292-G-A. GRCh37 (hg19) VCF-style: chr14-78063635-G-A.
Other names: short protein forms T74M.
Identifiers: ClinVar variation 4883033 (VCV004883033.2).
Genomic context (GRCh38, chr14:77,597,292, plus strand): 5'-CAATACCTCAAGAAATCTCGAAGATATCCAAAGAGGGTGAGTACGCCATACCCCACATAC[G>A]TGAGCACAGCAACCAGCATTGGTGTTTCTTCAAAAGCTTCATTAAACGGTCTTTTATATA-3'
Protein context (NP_004854.1, residues 64-84): EETPMLVAVL[Thr74Met]YVGYGVLTLF